The following is an entry in ClinVar:

ClinVar aggregate classification (germline): Uncertain significance (1 of 4 stars; one submission).

Conditions:
Malignant hyperthermia, susceptibility to, 1 (MHS1). Also called: RYR1-Related Malignant Hyperthermia Susceptibility; Malignant hyperthermia suceptibility 1; Anesthesia related hyperthermia; Malignant hyperpyrexia; Fulminating hyperpyrexia; Pharmacogenic myopathy. Identifiers: Orphanet 423, MedGen C2930980, MONDO:0007783, OMIM 145600.

Submission:

Color Diagnostics, LLC DBA Color Health
Classification: Uncertain significance for Malignant hyperthermia, susceptibility to, 1. Last evaluated: 2025-06-29. Review status: criteria provided, single submitter. Criteria: ACMG Guidelines, 2015. Collection method: clinical testing. Allele origin: germline.
Comment: This variant is located in the RYR1 protein. To our knowledge, functional studies have not been reported for this variant. This variant has not been reported in individuals affected with RYR1-related disorders in the literature. This variant has been identified in 1/251430 chromosomes in the general population by the Genome Aggregation Database (gnomAD). The available evidence is insufficient to determine the role of this variant in disease conclusively. Therefore, this variant is classified as a Variant of Uncertain Significance.

NM_000540.3(RYR1):c.351G>A (p.Leu117=)

Gene: RYR1 (ryanodine receptor 1; plus strand). Cytogenetic location: 19q13.2.
Variant type: single nucleotide variant.
Coding change: c.351G>A on transcript NM_000540.3 (MANE Select); coding-DNA position 351, G replaced by A.
Protein change: p.Leu117=; no amino-acid change (leucine 117 retained).
Molecular consequence: synonymous variant.
Genome position (GRCh38, 1-based): chr19:38,443,723, G>A. VCF-style: chr19-38443723-G-A. GRCh37 (hg19) VCF-style: chr19-38934363-G-A.
Other names: c.351G>A, p.Leu117= (NM_001042723.2).
Identifiers: ClinVar variation 4757293 (VCV004757293.1).
Genomic context (GRCh38, chr19:38,443,723, plus strand): 5'-GGCCAGGGCATGTGGGGCCTGCTAGAAGGAGGCTGACCTCCCTCTACAACCCTAGTATCT[G>A]AGCTGCCTCACCACCTCCCGCTCCATGACTGACAAGCTGGCCTTCGATGTGGGACTGCAG-3'
Protein context (NP_000531.2, residues 107-127): LLRHAHSRMY[Leu117=]SCLTTSRSMT